The following is an entry in ClinVar:

NM_002778.4(PSAP):c.1266C>G (p.Asn422Lys)

Gene: PSAP (prosaposin; minus strand). Cytogenetic location: 10q22.1.
Variant type: single nucleotide variant.
Coding change: c.1266C>G on transcript NM_002778.4 (MANE Select); coding-DNA position 1266, C replaced by G.
Protein change: p.Asn422Lys; replaces asparagine 422 with lysine.
Molecular consequence: missense variant.
Genome position (GRCh38, 1-based): chr10:71,819,549, G>C on the plus strand (C>G on the coding strand, the complement: PSAP is on the minus strand). VCF-style: chr10-71819549-G-C. GRCh37 (hg19) VCF-style: chr10-73579306-G-C.
Other names: c.1275C>G, p.Asn425Lys (NM_001042465.3); c.1272C>G, p.Asn424Lys (NM_001042466.3); short protein forms N424K, N422K, N425K.
Identifiers: ClinVar variation 2053957 (VCV002053957.5), dbSNP rs371197152, ClinGen allele CA377143574.

ClinVar aggregate classification (germline): Uncertain significance. Review status: criteria provided, multiple submitters, no conflicts (2 of 4 stars). 2 submissions from 2 submitters: Uncertain significance (2). Last evaluated 2023-08-30.

Conditions:
Inborn genetic diseases. Identifiers: MedGen C0950123, MeSH D030342.
Sphingolipid activator protein 1 deficiency. Also called: Saposin B Deficiency; Metachromatic leukodystrophy due to saposin B deficiency; METACHROMATIC LEUKODYSTROPHY DUE TO CEREBROSIDE SULFATASE ACTIVATOR DEFICIENCY. Identifiers: Orphanet 512, MedGen C0268262, MONDO:0009590, OMIM 249900.

Submissions (2):

Labcorp Genetics (formerly Invitae), Labcorp
Classification: Uncertain significance for Sphingolipid activator protein 1 deficiency. Last evaluated: 2023-08-30. Review status: criteria provided, single submitter. Criteria: Invitae Variant Classification Sherloc (09022015). Collection method: clinical testing. Allele origin: germline.
Comment: In summary, the available evidence is currently insufficient to determine the role of this variant in disease. Therefore, it has been classified as a Variant of Uncertain Significance. Advanced modeling of protein sequence and biophysical properties (such as structural, functional, and spatial information, amino acid conservation, physicochemical variation, residue mobility, and thermodynamic stability) performed at Invitae indicates that this missense variant is expected to disrupt PSAP protein function. ClinVar contains an entry for this variant (Variation ID: 2053957). This variant has not been reported in the literature in individuals affected with PSAP-related conditions. This variant is not present in population databases (gnomAD no frequency). This sequence change replaces asparagine, which is neutral and polar, with lysine, which is basic and polar, at codon 422 of the PSAP protein (p.Asn422Lys).

Ambry Genetics
Classification: Uncertain significance for Inborn genetic diseases. Last evaluated: 2021-06-30. Review status: criteria provided, single submitter. Criteria: Ambry Variant Classification Scheme 2023. Collection method: clinical testing. Allele origin: germline.